The following is an entry in ClinVar:

ClinVar aggregate classification (germline): Conflicting classifications of pathogenicity. Review status: criteria provided, conflicting classifications (1 of 4 stars). 5 submissions from 5 submitters: Uncertain significance (3); Likely benign (1). 1 of the submissions does not count toward it. Last evaluated 2026-09-21.

Conditions:
MYLK-related disorder. Also called: MYLK-related condition.
Familial thoracic aortic aneurysm and aortic dissection (TAAD). Also called: Thoracic aortic aneurysms and dissections. Identifiers: Orphanet 91387, MedGen C4707243, MONDO:0019625.
Aortic aneurysm, familial thoracic 7 (AAT7). Also called: AORTIC DISSECTION, FAMILIAL, WITH OR WITHOUT AORTIC ANEURYSM. Identifiers: MedGen C3151077, MONDO:0013418, OMIM 613780.

Allele frequency attached by ClinVar (database versions not stated): TOPMed 0.00002; ExAC 0.00002; gnomAD 0.00001; gnomAD exomes 0.00002; ESP Exome Variant Server 0.00008.
gnomAD v4.1: 20 of 1,614,058 alleles (0.0012%); highest among the groups gnomAD compares: Non-Finnish European, 0.0014%; no homozygotes.

Submissions (5):

Molecular Diagnostic Laboratory for Inherited Cardiovascular Disease, Montreal Heart Institute
Classification: Likely benign. Last evaluated: 2026-09-21. Review status: criteria provided, single submitter. Criteria: ACMG Guidelines, 2015. Collection method: clinical testing. Allele origin: germline. Affected: no.
Comment: BP1; BP4

Ambry Genetics
Classification: Uncertain significance for Familial thoracic aortic aneurysm and aortic dissection. Last evaluated: 2021-10-05. Review status: criteria provided, single submitter. Criteria: Ambry Variant Classification Scheme 2023. Collection method: clinical testing. Allele origin: germline.

Labcorp Genetics (formerly Invitae), Labcorp
Classification: Uncertain significance for Aortic aneurysm, familial thoracic 7. Last evaluated: 2021-09-17. Review status: criteria provided, single submitter. Criteria: Invitae Variant Classification Sherloc (09022015). Collection method: clinical testing. Allele origin: germline.
Comment: This sequence change replaces lysine with glutamic acid at codon 326 of the MYLK protein (p.Lys326Glu). The lysine residue is weakly conserved and there is a small physicochemical difference between lysine and glutamic acid. This variant is present in population databases (rs140876214, ExAC 0.003%). This variant has not been reported in the literature in individuals with MYLK-related conditions. Advanced modeling of protein sequence and biophysical properties (such as structural, functional, and spatial information, amino acid conservation, physicochemical variation, residue mobility, and thermodynamic stability) performed at Invitae indicates that this missense variant is not expected to disrupt MYLK protein function. In summary, the available evidence is currently insufficient to determine the role of this variant in disease. Therefore, it has been classified as a Variant of Uncertain Significance.

GeneDx
Classification: Uncertain significance. Last evaluated: 2020-04-02. Review status: criteria provided, single submitter. Criteria: GeneDx Variant Classification Process June 2021. Collection method: clinical testing. Allele origin: germline. Affected: yes.
Comment: Has not been previously published as pathogenic or benign to our knowledge; Not observed at a significant frequency in large population cohorts (Lek et al., 2016); In silico analysis supports that this missense variant does not alter protein structure/function

PreventionGenetics, part of Exact Sciences
Classification: Uncertain significance for MYLK-related condition. Last evaluated: 2024-08-22. Review status: no assertion criteria provided. Collection method: clinical testing. Allele origin: germline. Not counted in ClinVar's aggregate classification.
Comment: The MYLK c.976A>G variant is predicted to result in the amino acid substitution p.Lys326Glu. To our knowledge, this variant has not been reported in the literature. This variant is reported in 0.0039% of alleles in individuals of European (Non-Finnish) descent in gnomAD. At this time, the clinical significance of this variant is uncertain due to the absence of conclusive functional and genetic evidence.

NM_053025.4(MYLK):c.976A>G (p.Lys326Glu)

Gene: MYLK (myosin light chain kinase; minus strand). Cytogenetic location: 3q21.1.
Variant type: single nucleotide variant.
Coding change: c.976A>G on transcript NM_053025.4 (MANE Select); coding-DNA position 976, A replaced by G.
Protein change: p.Lys326Glu; replaces lysine 326 with glutamic acid.
Molecular consequence: missense variant.
Genome position (GRCh38, 1-based): chr3:123,734,020, T>C on the plus strand (A>G on the coding strand, the complement: MYLK is on the minus strand). VCF-style: chr3-123734020-T-C. GRCh37 (hg19) VCF-style: chr3-123452867-T-C.
Other names: c.448A>G, p.Lys150Glu (NM_001321309.2); c.976A>G, p.Lys326Glu (NM_053026.4, NM_053027.4, NM_053028.4); short protein forms K150E, K326E.
Identifiers: ClinVar variation 1218350 (VCV001218350.12), dbSNP rs140876214, ClinGen allele CA073795.
Genomic context (GRCh38, chr3:123,734,020, plus strand): 5'-TGATGGAGCTGGAAGTCTTCTGAAGGACCGGGGTCTGCGGGGCCGTTCTGGGCGAGTCCT[T>C]GCATGACTCCAGCTTGGACTCCCTTGGGGGCTGAGGCTGGCTGTTTGCAGCCCAGGGTGG-3'
Protein context (NP_444253.3, residues 316-336): PPRESKLESC[Lys326Glu]DSPRTAPQTP